The following is an entry in ClinVar:

NM_002617.4(PEX10):c.495C>T (p.Phe165=)

Gene: PEX10 (peroxisomal biogenesis factor 10; minus strand). Cytogenetic location: 1p36.32.
Variant type: single nucleotide variant.
Coding change: c.495C>T on transcript NM_002617.4 (MANE Select); coding-DNA position 495, C replaced by T.
Protein change: p.Phe165=; no amino-acid change (phenylalanine 165 retained).
Molecular consequence: synonymous variant. On other transcripts: non-coding transcript variant (1).
Genome position (GRCh38, 1-based): chr1:2,408,557, G>A on the plus strand (C>T on the coding strand, the complement: PEX10 is on the minus strand). VCF-style: chr1-2408557-G-A. GRCh37 (hg19) VCF-style: chr1-2339996-G-A.
Other names: p.Phe165=; c.495C>T, p.Phe165= (NM_001374425.1, NM_153818.2); c.63C>T, p.Phe21= (NM_001374426.1, NM_001374427.1).
Identifiers: ClinVar variation 196588 (VCV000196588.20), dbSNP rs150344828, ClinGen allele CA243594.
Genomic context (GRCh38, chr1:2,408,557, plus strand): 5'-GTGGATGTAAAACCAGGCAACATGTAGCCGCTGGAGGCAGGCGAGGCCCTGTCTGAGGAC[G>A]AAGACCGCCCGCAGCAGCGCCCTCCTCTGCTGCTCAGTCAGGGTGGCCGTGTGGTGACGC-3'
Protein context (NP_002608.1, residues 155-175): QQRRALLRAV[Phe165=]VLRQGLACLQ

ClinVar aggregate classification (germline): Benign/Likely benign. Review status: criteria provided, multiple submitters, no conflicts (2 of 4 stars). 6 submissions from 6 submitters: Benign (1); Likely benign (4). 1 of the submissions does not count toward it. Last evaluated 2026-01-20.

Conditions:
PEX10-related disorder. Also called: PEX10-related condition.
Peroxisome biogenesis disorder, complementation group 7 (CG7). Also called: Peroxisome biogenesis disorder, complementation group B. Identifiers: MedGen C1864399.

Allele frequency attached by ClinVar (database versions not stated): gnomAD exomes 0.00041; ExAC 0.00050; 1000 Genomes Project 0.00120; 1000 Genomes Project 30x 0.00125; gnomAD 0.00133 and 0.00145; TOPMed 0.00148; ESP Exome Variant Server 0.00215.
gnomAD v4.1: 441 of 1,612,420 alleles (0.027%); highest among the groups gnomAD compares: African/African-American, 0.41%; no homozygotes.

Submissions (6):

Labcorp Genetics (formerly Invitae), Labcorp
Classification: Benign for Peroxisome biogenesis disorder, complementation group 7. Last evaluated: 2026-01-20. Review status: criteria provided, single submitter. Criteria: Invitae Variant Classification Sherloc (09022015). Collection method: clinical testing. Allele origin: germline.

Mayo Clinic Laboratories, Mayo Clinic
Classification: Likely benign. Last evaluated: 2025-08-13. Review status: criteria provided, single submitter. Criteria: ACMG Guidelines, 2015. Collection method: clinical testing. Allele origin: germline. Observed: 4 variant alleles.
Comment: BS1, BP4, BP7

Blueprint Genetics
Classification: Likely benign. Last evaluated: 2024-11-19. Review status: criteria provided, single submitter. Criteria: ACMG Guidelines, 2015. Collection method: clinical testing. Allele origin: germline.

Women's Health and Genetics/Laboratory Corporation of America, LabCorp
Classification: Likely benign. Last evaluated: 2022-05-03. Review status: criteria provided, single submitter. Criteria: LabCorp Variant Classification Summary - May 2015. Collection method: clinical testing. Allele origin: germline.

Eurofins Ntd Llc (ga)
Classification: Likely benign. Last evaluated: 2016-09-06. Review status: criteria provided, single submitter. Criteria: EGL Classification Definitions 2015. Collection method: clinical testing. Allele origin: germline. Observed: 3 variant alleles, 3 heterozygotes.

PreventionGenetics, part of Exact Sciences
Classification: Likely benign for PEX10-related condition. Last evaluated: 2019-07-30. Review status: no assertion criteria provided. Collection method: clinical testing. Allele origin: germline. Not counted in ClinVar's aggregate classification.
Comment: This variant is classified as likely benign based on ACMG/AMP sequence variant interpretation guidelines (Richards et al. 2015 PMID: 25741868, with internal and published modifications).